The following is an entry in ClinVar:

ClinVar aggregate classification (germline): Uncertain significance (1 of 4 stars; one submission).

Conditions:
Hereditary cancer-predisposing syndrome. Also called: Neoplastic Syndromes, Hereditary; Tumor predisposition; Hereditary neoplastic syndrome; Hereditary Cancer Syndrome. Identifiers: Orphanet 140162, MedGen C0027672, MeSH D009386, MONDO:0015356.

gnomAD v4.1: 3 of 1,613,220 alleles (0.00019%); highest among the groups gnomAD compares: South Asian, 0.0011%; no homozygotes.

Submission:

Ambry Genetics
Classification: Uncertain significance for Hereditary cancer-predisposing syndrome. Last evaluated: 2026-07-06. Review status: criteria provided, single submitter. Criteria: Ambry Variant Classification Scheme 2023. Collection method: clinical testing. Allele origin: germline.
Comment: The p.A82P variant (also known as c.244G>C), located in coding exon 3 of the RAD51D gene, results from a G to C substitution at nucleotide position 244. The alanine at codon 82 is replaced by proline, an amino acid with highly similar properties. This amino acid position is conserved. In addition, this alteration is predicted to be tolerated by in silico analysis. Based on the available evidence, the clinical significance of this variant remains unclear.

NM_002878.4(RAD51D):c.263+1563G>C

Genes: RAD51D (RAD51 paralog D; minus strand), RAD51L3-RFFL (RAD51L3-RFFL readthrough; minus strand). Cytogenetic location: 17q12.
Variant type: single nucleotide variant.
Coding change: c.263+1563G>C on transcript NM_002878.4 (MANE Select); 1563 bases into the intron after coding-DNA position 263, G replaced by C.
Molecular consequence: intron variant. On other transcripts: missense variant (1).
Genome position (GRCh38, 1-based): chr17:35,116,938, C>G on the plus strand (G>C on the coding strand, the complement: RAD51D is on the minus strand). VCF-style: chr17-35116938-C-G. GRCh37 (hg19) VCF-style: chr17-33443957-C-G.
Other names: c.244G>C, p.Ala82Pro (NM_001142571.2); c.144+2173G>C (NM_133629.3); short protein forms A82P.
Identifiers: ClinVar variation 5027830 (VCV005027830.1).